The following is an entry in ClinVar:

NM_006846.4(SPINK5):c.1322G>T (p.Arg441Leu)

Gene: SPINK5 (serine peptidase inhibitor Kazal type 5; plus strand). Cytogenetic location: 5q32.
Variant type: single nucleotide variant.
Coding change: c.1322G>T on transcript NM_006846.4 (MANE Select); coding-DNA position 1322, G replaced by T.
Protein change: p.Arg441Leu; replaces arginine 441 with leucine.
Molecular consequence: missense variant.
Genome position (GRCh38, 1-based): chr5:148,101,800, G>T. VCF-style: chr5-148101800-G-T. GRCh37 (hg19) VCF-style: chr5-147481363-G-T.
Other names: c.1322G>T, p.Arg441Leu (NM_001127698.2, NM_001127699.2); short protein forms R441L.
Identifiers: ClinVar variation 1969532 (VCV001969532.3), dbSNP rs34393923, ClinGen allele CA3495562.

ClinVar aggregate classification (germline): Uncertain significance (1 of 4 stars; one submission).

Conditions:
Ichthyosis linearis circumflexa. Identifiers: MedGen C0265962, MONDO:0043106, HP:0025810.

gnomAD v4.1: 84 of 1,613,502 alleles (0.0052%); highest among the groups gnomAD compares: South Asian, 0.088%; no homozygotes.

Submission:

Labcorp Genetics (formerly Invitae), Labcorp
Classification: Uncertain significance for Ichthyosis linearis circumflexa. Last evaluated: 2023-04-24. Review status: criteria provided, single submitter. Criteria: Invitae Variant Classification Sherloc (09022015). Collection method: clinical testing. Allele origin: germline.
Comment: In summary, the available evidence is currently insufficient to determine the role of this variant in disease. Therefore, it has been classified as a Variant of Uncertain Significance. Advanced modeling of protein sequence and biophysical properties (such as structural, functional, and spatial information, amino acid conservation, physicochemical variation, residue mobility, and thermodynamic stability) has been performed at Invitae for this missense variant, however the output from this modeling did not meet the statistical confidence thresholds required to predict the impact of this variant on SPINK5 protein function. ClinVar contains an entry for this variant (Variation ID: 1969532). This variant has not been reported in the literature in individuals affected with SPINK5-related conditions. This variant is present in population databases (rs34393923, gnomAD 0.1%). This sequence change replaces arginine, which is basic and polar, with leucine, which is neutral and non-polar, at codon 441 of the SPINK5 protein (p.Arg441Leu).